The following is an entry in ClinVar:

NM_000540.3(RYR1):c.10544AGA[1] (p.Lys3516del)

Gene: RYR1 (ryanodine receptor 1; plus strand). Cytogenetic location: 19q13.2.
Variant type: Microsatellite.
Coding change: c.10544AGA[1] on transcript NM_000540.3 (MANE Select); one copy of the 3-base unit AGA starting at c.10544; the reference has two copies in a row; one copy, 3 bases deleted; also written c.10547_10549del.
Protein change: p.Lys3516del; deletes lysine 3516.
Molecular consequence: inframe deletion. On other transcripts: inframe indel (2).
Genome position (GRCh38, 1-based): chr19:38,525,423-38,525,425, AGA deleted; deleting any 3 consecutive bases within chr19:38,525,418-38,525,425 gives the same sequence; the position shown is the placement nearest the transcript's 3' end. VCF-style (leftmost placement, unchanged base first): chr19-38525417-TGAA-T. GRCh37 (hg19) VCF-style: chr19-39016057-TGAA-T.
Other names: c.10547_10549del (NM_000540.3); c.10544_10546AGA[1], p.Lys3516del (NM_000540.2); c.10529AGA[1], p.Lys3511del (NM_001042723.2); c.10547_10549delAGA (NM_000540.2); short protein forms K3516del, K3511del.
Identifiers: ClinVar variation 2230273 (VCV002230273.4), dbSNP rs756212662, ClinGen allele CA053975.

ClinVar aggregate classification (germline): Uncertain significance. Review status: criteria provided, multiple submitters, no conflicts (2 of 4 stars). 3 submissions from 3 submitters: Uncertain significance (3). Last evaluated 2025-09-19.

Conditions:
Malignant hyperthermia, susceptibility to, 1 (MHS1). Also called: Malignant hyperthermia suceptibility 1; Anesthesia related hyperthermia; Malignant hyperpyrexia; Fulminating hyperpyrexia; Pharmacogenic myopathy; RYR1-Related Malignant Hyperthermia Susceptibility. Identifiers: Orphanet 423, MedGen C2930980, MONDO:0007783, OMIM 145600.
Inborn genetic diseases. Identifiers: MedGen C0950123, MeSH D030342.

Submissions (3):

Color Diagnostics, LLC DBA Color Health
Classification: Uncertain significance for Malignant hyperthermia, susceptibility to, 1. Last evaluated: 2025-09-19. Review status: criteria provided, single submitter. Criteria: ACMG Guidelines, 2015. Collection method: clinical testing. Allele origin: germline.
Comment: This variant causes an in-frame deletion of 1 amino acid in exon 11 of the RYR1 protein. To our knowledge, functional studies have not been reported for this variant. This variant has been reported in an individual referred for clinical diagnostic testing (PMID: 33726816). This variant has been identified in 1/251364 chromosomes in the general population by the Genome Aggregation Database (gnomAD). The available evidence is insufficient to determine the role of this variant in disease conclusively. Therefore, this variant is classified as a Variant of Uncertain Significance.

All of Us Research Program, National Institutes of Health
Classification: Uncertain significance for Malignant hyperthermia, susceptibility to, 1. Last evaluated: 2023-09-09. Review status: criteria provided, single submitter. Criteria: ACMG Guidelines, 2015. Collection method: clinical testing. Allele origin: germline. Inheritance: Autosomal dominant inheritance. Observed: 1 variant allele, 1 heterozygote.
Comment: This study involves interpretation of variants in research participants for the purpose of population health screening. Participant phenotype was not available at the time of variant classification. Additional details can be found in publication PMID: 35346344, PMCID: PMC8962531

Ambry Genetics
Classification: Uncertain significance for Inborn genetic diseases. Last evaluated: 2021-04-27. Review status: criteria provided, single submitter. Criteria: Ambry Variant Classification Scheme 2023. Collection method: clinical testing. Allele origin: germline.
Comment: The c.10547_10549delAGA (p.K3516del) alteration, located in coding exon 71 of the RYR1 gene, results from of an in-frame AGA deletion at nucleotide positions c.10547 to c.10549. This results in the in-frame deletion of a lysine residue at codon 3516. Based on data from the Genome Aggregation Database (gnomAD) database, the RYR1 c.10547_10549delAGA alteration was observed in 0.0004% (1/251364) of total alleles studied, with a frequency of 0.0009% (1/113670) in the European (non-Finnish) subpopulation. This amino acid position is well conserved in available vertebrate species. The p.K3516del alteration is predicted to be deleterious with a score of -12.42 by PROVEAN in silico analysis. Based on insufficient or conflicting evidence, the clinical significance of this alteration remains unclear.

Literature cited by the submitters: PubMed 33726816 (cited by Color Diagnostics, LLC DBA Color Health).